The following is an entry in ClinVar:

NM_003482.4(KMT2D):c.3944G>A (p.Arg1315His)

Genes: KMT2D (lysine methyltransferase 2D; minus strand), LOC126861520 (CDK7 strongly-dependent group 2 enhancer GRCh37_chr12:49442744-49443943; plus strand). Cytogenetic location: 12q13.12.
Variant type: single nucleotide variant.
Coding change: c.3944G>A on transcript NM_003482.4 (MANE Select); coding-DNA position 3944, G replaced by A.
Protein change: p.Arg1315His; replaces arginine 1315 with histidine.
Molecular consequence: missense variant.
Genome position (GRCh38, 1-based): chr12:49,049,181, C>T on the plus strand (G>A on the coding strand, the complement: KMT2D is on the minus strand). VCF-style: chr12-49049181-C-T. GRCh37 (hg19) VCF-style: chr12-49442964-C-T.
Other names: short protein forms R1315H.
Identifiers: ClinVar variation 2712340 (VCV002712340.3), dbSNP rs745978081, ClinGen allele CA384651884.
Genomic context (GRCh38, chr12:49,049,181, plus strand): 5'-GAAGAAGCAGTTGACTTTAGCCGGGCCCGTCCTCTACCACGTCCTCCATGGGCTCCTCCA[C>T]GAGGCCGGCGTCTTCCTGGGAAACTGCTGCTGCGACCCTGAGTGAAAGAAGGGGACAATG-3'
Protein context (NP_003473.3, residues 1305-1325): SSSFPGRRRP[Arg1315His]GGAHGGRGRG

ClinVar aggregate classification (germline): Uncertain significance (1 of 4 stars; one submission).

Conditions:
Kabuki syndrome. Also called: NIIKAWA-KUROKI SYNDROME; Kabuki make-up syndrome. Identifiers: Orphanet 2322, MedGen C0796004, MONDO:0016512.

gnomAD v4.1: 4 of 1,609,042 alleles (0.00025%); highest among the groups gnomAD compares: Middle Eastern, 0.017%; no homozygotes.

Submission:

Labcorp Genetics (formerly Invitae), Labcorp
Classification: Uncertain significance for Kabuki syndrome. Last evaluated: 2025-04-08. Review status: criteria provided, single submitter. Criteria: Invitae Variant Classification Sherloc (09022015). Collection method: clinical testing. Allele origin: germline.
Comment: This sequence change replaces arginine, which is basic and polar, with histidine, which is basic and polar, at codon 1315 of the KMT2D protein (p.Arg1315His). The frequency data for this variant in the population databases is considered unreliable, as metrics indicate poor data quality at this position in the gnomAD database. This variant has not been reported in the literature in individuals affected with KMT2D-related conditions. ClinVar contains an entry for this variant (Variation ID: 2712340). Invitae Evidence Modeling of protein sequence and biophysical properties (such as structural, functional, and spatial information, amino acid conservation, physicochemical variation, residue mobility, and thermodynamic stability) has been performed for this missense variant. However, the output from this modeling did not meet the statistical confidence thresholds required to predict the impact of this variant on KMT2D protein function. In summary, the available evidence is currently insufficient to determine the role of this variant in disease. Therefore, it has been classified as a Variant of Uncertain Significance.